The following continues an entry in ClinVar:

NM_001374385.1(ATP8B1):c.1982T>C (p.Ile661Thr)

Gene: ATP8B1. ClinVar aggregate classification (germline): Pathogenic/Likely pathogenic. Pathogenic (12); Likely pathogenic (1).

Submissions 12 to 18 of 18:

Illumina Laboratory Services, Illumina
Classification: Pathogenic for Progressive familial intrahepatic cholestasis type 1. Last evaluated: 2018-10-16. Review status: criteria provided, single submitter. Criteria: ICSL Variant Classification Criteria 09 May 2019. Collection method: clinical testing. Allele origin: germline.
Comment: Across a selection of available literature, the ATP8B1 c.1982T>C (p.Ile661Thr) variant has been reported in a homozygous state in 25 probands, in a compound heterozygous state in eight probands and in a heterozygous state in nine probands (Bull et al. 1998; Tygstrup et al. 1999; Klomp et al. 2004). The clinical presentation of many probands with this variant were described as having benign recurrent intrahepatic cholestatis, but some were described to have progressive disease. This disease has been noted to have reduced penetrance, and five individuals homozygous for the p.Ile661Thr variant were asymptomatic (Klomp et al. 2004). The p.Ile661Thr variant was absent from 289 controls and is reported at a frequency of 0.000158 in the European (non-Finnish) population of the Genome Aggregation Database. Functional studies to determine the effect of the p.Ile661Thr variant in cell lines document overall reduced protein expression compared to wild type (Folmer et al. 2009). Further investigation revealed the p.Ile661Thr variant to result in protein misfolding which was rescued by chemical chaperones such as 4-BPA (van der Velden et al. 2010; van der Woerd et al. 2016). Based on the collective evidence, the p.Ile661Thr variant is classified as pathogenic for familial intrahepatic cholestasis. This variant was observed by ICSL as part of a predisposition screen in an ostensibly healthy population.

Eurofins Ntd Llc (ga)
Classification: Pathogenic. Last evaluated: 2016-06-03. Review status: criteria provided, single submitter. Criteria: EGL Classification Definitions 2015. Collection method: clinical testing. Allele origin: germline. Observed: 3 variant alleles, 2 heterozygotes, 1 homozygote.

OMIM
Classification: Pathogenic for CHOLESTASIS, BENIGN RECURRENT INTRAHEPATIC, 1. Last evaluated: 2004-07-01. Review status: no assertion criteria provided. Collection method: literature only. Allele origin: germline. Not counted in ClinVar's aggregate classification.

OMIM
Classification: Pathogenic for CHOLESTASIS, PROGRESSIVE FAMILIAL INTRAHEPATIC, 1. Last evaluated: 2004-07-01. Review status: no assertion criteria provided. Collection method: literature only. Allele origin: germline. Not counted in ClinVar's aggregate classification.

Diagnostic Laboratory, Department of Genetics, University Medical Center Groningen
Classification: Pathogenic. Review status: no assertion criteria provided. Collection method: clinical testing. Allele origin: germline. Affected: yes. Study: VKGL Data-share Consensus. Not counted in ClinVar's aggregate classification.

GeneReviews
No classification provided. Condition: Progressive familial intrahepatic cholestasis type 1. Review status: no classification provided. Collection method: literature only. Allele origin: germline. Not counted in ClinVar's aggregate classification.
Comment: At least 1 copy of this variant is found in most persons of European descent

Genome Diagnostics Laboratory, University Medical Center Utrecht
Classification: Pathogenic. Review status: no assertion criteria provided. Collection method: clinical testing. Allele origin: germline. Affected: yes. Study: VKGL Data-share Consensus. Not counted in ClinVar's aggregate classification.

Literature cited by the submitters: PubMed 39768432 (cited by Genomenon, Inc); PubMed 9500542 (cited by 6 submitters); PubMed 15239083 (cited by 8 submitters); PubMed 9918928 (cited by 8 submitters); PubMed 20232290 (cited by Genomenon, Inc and Labcorp Genetics (formerly Invitae), Labcorp); PubMed 27050426 (cited by Genomenon, Inc); PubMed 24905729 (cited by Genomenon, Inc); PubMed 19918981 (cited by 4 submitters); PubMed 19731236 (cited by 6 submitters); PubMed 33666275 (cited by Labcorp Genetics (formerly Invitae), Labcorp and Women's Health and Genetics/Laboratory Corporation of America, LabCorp); PubMed 34016879 (cited by Labcorp Genetics (formerly Invitae), Labcorp); PubMed 20301474 (cited by Victorian Clinical Genetics Services, Murdoch Childrens Research Institute); PubMed 26879107 (cited by Illumina Laboratory Services, Illumina); PubMed 5807632 (cited by OMIM).